The following is an entry in ClinVar:

NM_022095.4(ZNF335):c.583G>A (p.Ala195Thr)

Gene: ZNF335 (zinc finger protein 335; minus strand). Cytogenetic location: 20q13.12.
Variant type: single nucleotide variant.
Coding change: c.583G>A on transcript NM_022095.4 (MANE Select); coding-DNA position 583, G replaced by A.
Protein change: p.Ala195Thr; replaces alanine 195 with threonine.
Molecular consequence: missense variant.
Genome position (GRCh38, 1-based): chr20:45,967,965, C>T on the plus strand (G>A on the coding strand, the complement: ZNF335 is on the minus strand). VCF-style: chr20-45967965-C-T. GRCh37 (hg19) VCF-style: chr20-44596604-C-T.
Other names: short protein forms A195T.
Identifiers: ClinVar variation 2176354 (VCV002176354.4), dbSNP rs775791227, ClinGen allele CA9886026.

ClinVar aggregate classification (germline): Uncertain significance (1 of 4 stars; one submission).

Allele frequency attached by ClinVar (database versions not stated): ExAC 0.00001; TOPMed 0.00001; gnomAD 0.00002; gnomAD exomes 0.00003.
gnomAD v4.1: 39 of 1,612,710 alleles (0.0024%); highest among the groups gnomAD compares: Non-Finnish European, 0.0031%; no homozygotes.

Submission:

Labcorp Genetics (formerly Invitae), Labcorp
Classification: Uncertain significance. Last evaluated: 2025-12-01. Review status: criteria provided, single submitter. Criteria: Invitae Variant Classification Sherloc (09022015). Collection method: clinical testing. Allele origin: germline.
Comment: This sequence change replaces alanine, which is neutral and non-polar, with threonine, which is neutral and polar, at codon 195 of the ZNF335 protein (p.Ala195Thr). This variant is present in population databases (rs775791227, gnomAD 0.003%). This variant has not been reported in the literature in individuals affected with ZNF335-related conditions. ClinVar contains an entry for this variant (Variation ID: 2176354). Invitae Evidence Modeling of protein sequence and biophysical properties (such as structural, functional, and spatial information, amino acid conservation, physicochemical variation, residue mobility, and thermodynamic stability) indicates that this missense variant is not expected to disrupt ZNF335 protein function with a negative predictive value of 80%. In summary, the available evidence is currently insufficient to determine the role of this variant in disease. Therefore, it has been classified as a Variant of Uncertain Significance.